The following is an entry in ClinVar:

ClinVar aggregate classification (germline): Pathogenic (1 of 4 stars; one submission).

Conditions:
Familial cancer of breast. Also called: Hereditary breast cancer; BREAST CANCER, FAMILIAL; hereditary breast carcinoma. Identifiers: Orphanet 227535, MedGen C0346153, MONDO:0016419, OMIM 114480. Disease mechanism: loss of function.
Fanconi anemia complementation group J. Also called: BRIP1-Related Fanconi Anemia. Identifiers: Orphanet 84, MedGen C1836860, MONDO:0012187, OMIM 609054.

Submission:

Labcorp Genetics (formerly Invitae), Labcorp
Classification: Pathogenic for Familial cancer of breast; Fanconi anemia complementation group J. Last evaluated: 2021-10-28. Review status: criteria provided, single submitter. Criteria: Invitae Variant Classification Sherloc (09022015). Collection method: clinical testing. Allele origin: germline.
Comment: For these reasons, this variant has been classified as Pathogenic. This variant has not been reported in the literature in individuals affected with BRIP1-related conditions. This variant is a gross deletion of the genomic region encompassing exon(s) 10 of the BRIP1 gene. This deletion is out-of-frame, and is expected to create a premature termination codon and result in an absent or disrupted protein product. Loss-of-function variants in BRIP1 are known to be pathogenic (PMID: 16116423, 17033622, 21964575).

Literature cited by the submitters: PubMed 16116423; PubMed 17033622; PubMed 21964575.

NC_000017.10:g.(?_59870948)_(59871100_?)del

Gene: BRIP1 (BRCA1 interacting DNA helicase 1; minus strand). Cytogenetic location: 17q23.2.
Variant type: Deletion.
Identifiers: ClinVar variation 1459988 (VCV001459988.5).